The following is an entry in ClinVar:

ClinVar aggregate classification (germline): Uncertain significance. Review status: criteria provided, multiple submitters, no conflicts (2 of 4 stars). 5 submissions from 5 submitters: Uncertain significance (5). Last evaluated 2026-03-26.

Conditions:
TTN-related disorder. Also called: TTN-related condition; TTN-related disease; TTN-related disorders.
Hypertrophic cardiomyopathy 9. Also called: Familial hypertrophic cardiomyopathy 9. Identifiers: MedGen C1861065, MONDO:0013412, OMIM 613765.
Early-onset myopathy with fatal cardiomyopathy (CMYO5). Also called: CONGENITAL MYOPATHY 5 WITH CARDIOMYOPATHY; Salih Myopathy. Identifiers: Orphanet 289377, MedGen C2673677, MONDO:0012714, OMIM 611705. Disease mechanism: loss of function.
Autosomal recessive limb-girdle muscular dystrophy type 2J (LGMDR10). Also called: MUSCULAR DYSTROPHY, LIMB-GIRDLE, AUTOSOMAL RECESSIVE 10; Limb-girdle muscular dystrophy, type 2J. Identifiers: Orphanet 140922, MedGen C1837342, MONDO:0012127, OMIM 608807.
Dilated cardiomyopathy 1G (CMD1G). Identifiers: Orphanet 154, MedGen C1858763, MONDO:0011400, OMIM 604145.
Myopathy, myofibrillar, 9, with early respiratory failure (MFM9). Also called: Myopathy, distal, with early respiratory failure, autosomal dominant; Hereditary myopathy with early respiratory failure; EDSTROM MYOPATHY; MYOPATHY, PROXIMAL, WITH EARLY RESPIRATORY MUSCLE INVOLVEMENT. Identifiers: Orphanet 178464, Orphanet 34521, MedGen C1863599, MONDO:0011362, OMIM 603689.
Tibial muscular dystrophy (TMD). Also called: Tibial muscular dystrophy, tardive; Udd Distal Myopathy – Tibial Muscular Dystrophy; UDD MYOPATHY. Identifiers: Orphanet 609, MedGen C1838244, MONDO:0010870, OMIM 600334.

Allele frequency attached by ClinVar (database versions not stated): TOPMed 0.00003; gnomAD exomes 0.00002; gnomAD 0.00003.
gnomAD v4.1: 40 of 1,613,712 alleles (0.0025%); highest among the groups gnomAD compares: African/African-American, 0.004%; no homozygotes.

Submissions (5):

PreventionGenetics, part of Exact Sciences
Classification: Uncertain significance for TTN-related condition. Last evaluated: 2026-03-26. Review status: criteria provided, single submitter. Criteria: ACMG Guidelines, 2015. Collection method: clinical testing. Allele origin: germline.
Comment: The TTN c.96644C>G variant is predicted to result in the amino acid substitution p.Thr32215Ser. To our knowledge, this variant has not been reported in the literature. This variant is reported in 0.0065% of alleles in individuals of African descent in gnomAD. At this time, the clinical significance of this variant is uncertain due to the absence of conclusive functional and genetic evidence.

GeneDx
Classification: Uncertain significance. Last evaluated: 2024-02-05. Review status: criteria provided, single submitter. Criteria: GeneDx Variant Classification Process June 2021. Collection method: clinical testing. Allele origin: germline. Affected: yes.
Comment: Not observed at significant frequency in large population cohorts (gnomAD); Missense variant in a gene in which most reported pathogenic variants are truncating/loss of function; Has not been previously published as pathogenic or benign to our knowledge

Fulgent Genetics
Classification: Uncertain significance for Tibial muscular dystrophy; Myopathy, myofibrillar, 9, with early respiratory failure; Dilated cardiomyopathy 1G; Autosomal recessive limb-girdle muscular dystrophy type 2J; Early-onset myopathy with fatal cardiomyopathy; Hypertrophic cardiomyopathy 9. Last evaluated: 2021-10-19. Review status: criteria provided, single submitter. Criteria: ACMG Guidelines, 2015. Collection method: clinical testing. Allele origin: unknown.

Revvity Omics, Revvity
Classification: Uncertain significance. Last evaluated: 2019-01-23. Review status: criteria provided, single submitter. Criteria: ACMG Guidelines, 2015. Collection method: clinical testing. Allele origin: germline.

Eurofins Ntd Llc (ga)
Classification: Uncertain significance. Last evaluated: 2018-06-01. Review status: criteria provided, single submitter. Criteria: EGL ClinVar v180209 classification definitions. Collection method: clinical testing. Allele origin: germline. Observed: 2 variant alleles, 2 heterozygotes.

NM_001267550.2(TTN):c.96644C>G (p.Thr32215Ser)

Genes: TTN (titin; minus strand), TTN-AS1 (TTN antisense RNA 1; plus strand), LOC126806421 (CDK7 strongly-dependent group 2 enhancer GRCh37_chr2:179407630-179408829; plus strand). Cytogenetic location: 2q31.2.
Variant type: single nucleotide variant.
Coding change: c.96644C>G on transcript NM_001267550.2 (MANE Select); coding-DNA position 96644, C replaced by G.
Protein change: p.Thr32215Ser; replaces threonine 32215 with serine.
Molecular consequence: missense variant.
Genome position (GRCh38, 1-based): chr2:178,543,329, G>C on the plus strand (C>G on the coding strand, the complement: TTN is on the minus strand). VCF-style: chr2-178543329-G-C. GRCh37 (hg19) VCF-style: chr2-179408056-G-C.
Other names: c.91721C>G, p.Thr30574Ser (NM_001256850.1); c.69449C>G, p.Thr23150Ser (NM_003319.4); c.88940C>G, p.Thr29647Ser (NM_133378.4); c.69824C>G, p.Thr23275Ser (NM_133432.3); c.70025C>G, p.Thr23342Ser (NM_133437.4); c.96644C>G (NM_001267550.1); short protein forms T29647S, T32215S, T30574S, T23275S, T23342S, T23150S.
Identifiers: ClinVar variation 592915 (VCV000592915.11), dbSNP rs975713554, ClinGen allele CA349446259.